The following is an entry in ClinVar:

NM_002234.4(KCNA5):c.932C>G (p.Thr311Arg)

Gene: KCNA5 (potassium voltage-gated channel subfamily A member 5; plus strand). Cytogenetic location: 12p13.32.
Variant type: single nucleotide variant.
Coding change: c.932C>G on transcript NM_002234.4 (MANE Select); coding-DNA position 932, C replaced by G.
Protein change: p.Thr311Arg; replaces threonine 311 with arginine.
Molecular consequence: missense variant.
Genome position (GRCh38, 1-based): chr12:5,045,079, C>G. VCF-style: chr12-5045079-C-G. GRCh37 (hg19) VCF-style: chr12-5154245-C-G.
Other names: short protein forms T311R.
Identifiers: ClinVar variation 4702876 (VCV004702876.1).

ClinVar aggregate classification (germline): Uncertain significance (1 of 4 stars; one submission).

Conditions:
Atrial fibrillation, familial, 7 (ATFB7). Identifiers: MedGen C2677106, MONDO:0012828, OMIM 612240.

Submission:

Labcorp Genetics (formerly Invitae), Labcorp
Classification: Uncertain significance for Atrial fibrillation, familial, 7. Last evaluated: 2025-07-27. Review status: criteria provided, single submitter. Criteria: Invitae Variant Classification Sherloc (09022015). Collection method: clinical testing. Allele origin: germline.
Comment: This sequence change replaces threonine, which is neutral and polar, with arginine, which is basic and polar, at codon 311 of the KCNA5 protein (p.Thr311Arg). This variant is not present in population databases (gnomAD no frequency). This variant has not been reported in the literature in individuals affected with KCNA5-related conditions. An algorithm developed to predict the effect of missense changes on protein structure and function (PolyPhen-2) suggests that this variant is likely to be disruptive. In summary, the available evidence is currently insufficient to determine the role of this variant in disease. Therefore, it has been classified as a Variant of Uncertain Significance.